The following is an entry in ClinVar:

NM_032608.7(MYO18B):c.2530A>C (p.Lys844Gln)

Gene: MYO18B (myosin XVIIIB; plus strand). Cytogenetic location: 22q12.1.
Variant type: single nucleotide variant.
Coding change: c.2530A>C on transcript NM_032608.7 (MANE Select); coding-DNA position 2530, A replaced by C.
Protein change: p.Lys844Gln; replaces lysine 844 with glutamine.
Molecular consequence: missense variant.
Genome position (GRCh38, 1-based): chr22:25,823,513, A>C. VCF-style: chr22-25823513-A-C. GRCh37 (hg19) VCF-style: chr22-26219480-A-C.
Other names: c.2530A>C, p.Lys844Gln (NM_001318245.2); short protein forms K844Q.
Identifiers: ClinVar variation 2033559 (VCV002033559.1), dbSNP rs2517476614, ClinGen allele CA410998658.
Genomic context (GRCh38, chr22:25,823,513, plus strand): 5'-CACCCCATGCCCAAGGCCTCACTGCCACGCCTCTGTTTTGTCCCCTTTGCAGTGGGTCGG[A>C]AGCAGTTCATGAGGTTTGAGTGGGCAAACTACGCAGCTGAGGCCCTGGGCTGCGAGTATG-3'
Protein context (NP_115997.5, residues 834-854): GAAGACKVGR[Lys844Gln]QFMRFEWANY

ClinVar aggregate classification (germline): Uncertain significance (1 of 4 stars; one submission).

Allele frequency attached by ClinVar (database versions not stated): gnomAD exomes below 0.00001.
gnomAD v4.1: 1 of 1,613,844 alleles (0.000062%); highest among the groups gnomAD compares: Non-Finnish European, 0.000085%; no homozygotes.

Submission:

Labcorp Genetics (formerly Invitae), Labcorp
Classification: Uncertain significance. Last evaluated: 2021-12-05. Review status: criteria provided, single submitter. Criteria: Invitae Variant Classification Sherloc (09022015). Collection method: clinical testing. Allele origin: germline.
Comment: This sequence change replaces lysine, which is basic and polar, with glutamine, which is neutral and polar, at codon 844 of the MYO18B protein (p.Lys844Gln). This variant is not present in population databases (gnomAD no frequency). This variant has not been reported in the literature in individuals affected with MYO18B-related conditions. Algorithms developed to predict the effect of missense changes on protein structure and function are either unavailable or do not agree on the potential impact of this missense change (SIFT: "Not Available"; PolyPhen-2: "Probably Damaging"; Align-GVGD: "Not Available"). In summary, the available evidence is currently insufficient to determine the role of this variant in disease. Therefore, it has been classified as a Variant of Uncertain Significance.